The following is an entry in ClinVar:

NM_007294.4(BRCA1):c.2176del (p.Leu726fs)

Gene: BRCA1 (BRCA1 DNA repair associated; minus strand). Cytogenetic location: 17q21.31.
Variant type: Deletion.
Coding change: c.2176del on transcript NM_007294.4 (MANE Select); coding-DNA position 2176, one base deleted (C; older notation c.2176delC).
Protein change: p.Leu726fs; shifts the reading frame from leucine 726.
Molecular consequence: frameshift variant. On other transcripts: intron variant (137).
Genome position (GRCh38, 1-based): chr17:43,093,355, G deleted on the plus strand (C on the coding strand, the reverse complement: BRCA1 is on the minus strand); the first of 2 consecutive G bases (chr17:43,093,355-43,093,356); deleting either gives the same sequence. VCF-style (leftmost placement, unchanged base first): chr17-43093354-AG-A. GRCh37 (hg19) VCF-style: chr17-41245371-AG-A.
Other names: 2295delC; 2295DELC; c.2176delC (NM_007294.3); c.1966del, p.Leu656fs (NM_001407881.1, NM_001407882.1, NM_001407884.1 and 13 more transcripts); c.1963del, p.Leu655fs (NM_001407894.1, NM_001407895.1, NM_001407896.1 and 9 more transcripts); c.2053del, p.Leu685fs (NM_001407919.1, NM_001407937.1, NM_001407938.1 and 19 more transcripts); c.1912del, p.Leu638fs (NM_001407920.1, NM_001407921.1, NM_001407922.1 and 9 more transcripts); c.1909del, p.Leu637fs (NM_001407930.1, NM_001407931.1, NM_001407932.1 and 2 more transcripts); and 44 more; short protein forms L679fs, L726fs, L558fs, L598fs, L637fs, L638fs, L658fs, L685fs.
Identifiers: ClinVar variation 54485 (VCV000054485.11), dbSNP rs80357668, ClinGen allele CA001454.

ClinVar aggregate classification (germline): Pathogenic. Review status: reviewed by expert panel (3 of 4 stars). 7 submissions from 7 submitters: Pathogenic (1). 6 of the submissions do not count toward it. Last evaluated 2016-09-08.

Conditions:
Hereditary cancer-predisposing syndrome. Also called: Tumor predisposition; Neoplastic Syndromes, Hereditary; Hereditary Cancer Syndrome; Hereditary neoplastic syndrome. Identifiers: Orphanet 140162, MedGen C0027672, MeSH D009386, MONDO:0015356.
Hereditary breast ovarian cancer syndrome. Also called: Hereditary breast and ovarian cancer syndrome (HBOC); Hereditary breast and ovarian cancer syndrome; Hereditary breast and ovarian cancer; Hereditary breast and/or ovarian cancer syndrome; Breast and ovarian cancer; BRCA1- and BRCA2-Associated Hereditary Breast and Ovarian Cancer. Identifiers: Orphanet 145, MedGen C0677776, MeSH D061325, MONDO:0003582. Disease mechanism: loss of function.
Breast-ovarian cancer, familial, susceptibility to, 1 (BROVCA1). Also called: OVARIAN CANCER, SUSCEPTIBILITY TO; BRCA1 Hereditary Breast and Ovarian Cancer. Identifiers: Orphanet 145, MedGen C2676676, MONDO:0011450, OMIM 604370. Disease mechanism: loss of function.

Submissions (7):

Evidence-based Network for the Interpretation of Germline Mutant Alleles (ENIGMA)
Classification: Pathogenic for Breast-ovarian cancer, familial, susceptibility to, 1. Last evaluated: 2016-09-08. Review status: reviewed by expert panel. Criteria: ENIGMA BRCA1/2 Classification Criteria (2015). Collection method: curation. Allele origin: germline.
Comment: Variant allele predicted to encode a truncated non-functional protein.

Helix
Classification: Pathogenic for Breast-ovarian cancer, familial, susceptibility to, 1. Last evaluated: 2025-12-07. Review status: criteria provided, single submitter. Criteria: ACMG Guidelines, 2015. Collection method: clinical testing. Allele origin: germline. Inheritance: Autosomal dominant inheritance. Not counted in ClinVar's aggregate classification.
Comment: This variant (NM_007294.4:c.2176del p.Leu726PhefsTer10) results in the creation of a premature stop codon in the BRCA1 gene. It is predicted to result in nonsense-mediated mRNA decay or in the production of a truncated protein, leading to loss-of-function (LOF). LOF variants in this gene are known to be deleterious (PMID: 20104584, 20301575). This variant is also known as 2295delC. It is a rare variant that is absent from the large gnomAD population database (v4.1). This variant has been observed in individual(s) with a personal and/or family history of BRCA1-related conditions (PMID: 26023681). This variant is present in ClinVar (Accession: VCV000054485.10). In conclusion, this variant has been classified as Pathogenic.

Ambry Genetics
Classification: Pathogenic for Hereditary cancer-predisposing syndrome. Last evaluated: 2022-10-31. Review status: criteria provided, single submitter. Criteria: Ambry Variant Classification Scheme 2023. Collection method: clinical testing. Allele origin: germline. Not counted in ClinVar's aggregate classification.
Comment: The c.2176delC pathogenic mutation, located in coding exon 9 of the BRCA1 gene, results from a deletion of one nucleotide at nucleotide position 2176, causing a translational frameshift with a predicted alternate stop codon (p.L726Ffs*10). Of note, this alteration is also designated as 2295delC in the published literature. This variant is considered to be rare based on population cohorts in the Genome Aggregation Database (gnomAD). In addition to the clinical data presented in the literature, this alteration is expected to result in loss of function by premature protein truncation or nonsense-mediated mRNA decay. As such, this alteration is interpreted as a disease-causing mutation.

Institute for Clinical Genetics, University Hospital TU Dresden, University Hospital TU Dresden
Classification: Pathogenic. Last evaluated: 2021-11-03. Review status: criteria provided, single submitter. Criteria: ACMG Guidelines, 2015. Collection method: clinical testing. Allele origin: germline. Not counted in ClinVar's aggregate classification.

Research Molecular Genetics Laboratory, Women's College Hospital, University of Toronto
Classification: Pathogenic for Hereditary breast ovarian cancer syndrome. Last evaluated: 2014-01-31. Review status: no assertion criteria provided. Collection method: research. Allele origin: germline. Affected: yes. Study: The Canadian Open Genetics Repository (COGR). Not counted in ClinVar's aggregate classification.

Sharing Clinical Reports Project (SCRP)
Classification: Pathogenic for Breast-ovarian cancer, familial 1. Last evaluated: 2008-08-12. Review status: no assertion criteria provided. Collection method: clinical testing. Allele origin: germline. Not counted in ClinVar's aggregate classification.

Breast Cancer Information Core (BIC) (BRCA1)
Classification: Pathogenic for Breast-ovarian cancer, familial 1. Last evaluated: 1998-07-10. Review status: no assertion criteria provided. Collection method: clinical testing. Allele origin: germline. Affected: yes. Observed: 7 variant alleles. Not counted in ClinVar's aggregate classification.

Literature cited by the submitters: PubMed 26023681 (cited by Ambry Genetics).